The following is an entry in ClinVar:

ClinVar aggregate classification (germline): Likely benign. Review status: criteria provided, multiple submitters, no conflicts (2 of 4 stars). 2 submissions from 2 submitters: Likely benign (2). Last evaluated 2025-06-12.

Conditions:
Nephronophthisis 16 (NPHP16). Identifiers: Orphanet 655, MedGen C3809320, MONDO:0014158, OMIM 615382.
ANKS6-related disorder. Also called: ANKS6-related condition.

Allele frequency attached by ClinVar (database versions not stated): gnomAD 0.00004; TOPMed 0.00004.
gnomAD v4.1: 19 of 1,614,044 alleles (0.0012%); highest among the groups gnomAD compares: Admixed American, 0.017%; no homozygotes.

Submissions (2):

Labcorp Genetics (formerly Invitae), Labcorp
Classification: Likely benign for Nephronophthisis 16. Last evaluated: 2025-06-12. Review status: criteria provided, single submitter. Criteria: Invitae Variant Classification Sherloc (09022015). Collection method: clinical testing. Allele origin: germline.

PreventionGenetics, part of Exact Sciences
Classification: Likely benign for ANKS6-related condition. Last evaluated: 2025-03-12. Review status: criteria provided, single submitter. Criteria: ACMG Guidelines, 2015. Collection method: clinical testing. Allele origin: germline.
Comment: This variant is classified as likely benign based on ACMG/AMP sequence variant interpretation guidelines (Richards et al. 2015 PMID: 25741868, with internal and published modifications).

NM_173551.5(ANKS6):c.1428C>A (p.Pro476=)

Gene: ANKS6 (ankyrin repeat and sterile alpha motif domain containing 6; minus strand). Cytogenetic location: 9q22.33.
Variant type: single nucleotide variant.
Coding change: c.1428C>A on transcript NM_173551.5 (MANE Select); coding-DNA position 1428, C replaced by A.
Protein change: p.Pro476=; no amino-acid change (proline 476 retained).
Molecular consequence: synonymous variant.
Genome position (GRCh38, 1-based): chr9:98,778,365, G>T on the plus strand (C>A on the coding strand, the complement: ANKS6 is on the minus strand). VCF-style: chr9-98778365-G-T. GRCh37 (hg19) VCF-style: chr9-101540647-G-T.
Identifiers: ClinVar variation 718120 (VCV000718120.9), dbSNP rs760767896, ClinGen allele CA5153500.
Genomic context (GRCh38, chr9:98,778,365, plus strand): 5'-GTCCAGAGCTGGCTCAGGCTCGTCAGAGAAAGGCAAAGGCTGGTTGCTGGACAGCCCACG[G>T]GGCAGCGTCTGCATCAGTTTGAGCTTTCGGAACCGATTGGACATTCGGTTCCACCAGGAC-3'
Protein context (NP_775822.3, residues 466-486): FRKLKLMQTL[Pro476=]RGLSSNQPLP